The following is an entry in ClinVar:

ClinVar aggregate classification (germline): Uncertain significance. Review status: criteria provided, multiple submitters, no conflicts (2 of 4 stars). 2 submissions from 2 submitters: Uncertain significance (2). Last evaluated 2026-01-06.

Conditions:
Infantile neuroaxonal dystrophy (NBIA2A). Also called: NEURODEGENERATION WITH BRAIN IRON ACCUMULATION 2A; Infantile neuroaxonal dystrophy 1; SEITELBERGER DISEASE. Identifiers: Orphanet 35069, MedGen C0270724, MONDO:0024457, OMIM 256600.

gnomAD v4.1: 1 of 1,544,492 alleles (0.000065%); highest among the groups gnomAD compares: South Asian, 0.0012%; no homozygotes.

Submissions (2):

3billion
Classification: Uncertain significance for Infantile neuroaxonal dystrophy. Last evaluated: 2026-01-06. Review status: criteria provided, single submitter. Criteria: ACMG Guidelines, 2015. Collection method: clinical testing. Allele origin: germline. Affected: yes.
Comment: The variant is observed at an extremely low frequency in the gnomAD v4.1.0 dataset (total allele frequency: <0.001%). Predicted Consequence/Location: Missense variant In silico tool predictions suggest damaging effect of the variant on gene or gene product [REVEL: 0.91 (>=0.6, sensitivity 0.68 and specificity 0.92); 3Cnet: 0.99 (> 0.75, sensitivity 0.96 and precision 0.92)]. A different missense change at the same codon (p.Arg635Gln) has been reported as pathogenic/likely pathogenic with strong evidence (ClinVar ID: VCV000030366 /PMID: 20938027). Therefore, this variant is classified as VUS according to the recommendation of ACMG/AMP guideline.

MGZ Medical Genetics Center
Classification: Uncertain significance for Infantile neuroaxonal dystrophy. Last evaluated: 2022-07-22. Review status: criteria provided, single submitter. Criteria: ACMG Guidelines, 2015. Collection method: clinical testing. Allele origin: germline. Affected: yes. Observed: 1 variant allele.
Comment: ACMG criteria applied: PM2_SUP, PP3

Literature cited by the submitters: PubMed 20938027 (cited by 3billion).

NM_003560.4(PLA2G6):c.1903C>G (p.Arg635Gly)

Gene: PLA2G6 (phospholipase A2 group VI; minus strand). Cytogenetic location: 22q13.1.
Variant type: single nucleotide variant.
Coding change: c.1903C>G on transcript NM_003560.4 (MANE Select); coding-DNA position 1903, C replaced by G.
Protein change: p.Arg635Gly; replaces arginine 635 with glycine.
Molecular consequence: missense variant.
Genome position (GRCh38, 1-based): chr22:38,115,658, G>C on the plus strand (C>G on the coding strand, the complement: PLA2G6 is on the minus strand). VCF-style: chr22-38115658-G-C. GRCh37 (hg19) VCF-style: chr22-38511665-G-C.
Other names: c.1741C>G, p.Arg581Gly (NM_001004426.3, NM_001199562.3, NM_001349865.2 and 1 more transcripts); c.1903C>G, p.Arg635Gly (NM_001349864.2); c.1369C>G, p.Arg457Gly (NM_001349867.2); c.1225C>G, p.Arg409Gly (NM_001349868.2); c.1207C>G, p.Arg403Gly (NM_001349869.2); short protein forms R403G, R409G, R457G, R581G, R635G.
Identifiers: ClinVar variation 1709649 (VCV001709649.4), dbSNP rs587784339, ClinGen allele CA411524845.
Genomic context (GRCh38, chr22:38,115,658, plus strand): 5'-GCCCACCGTCCAGGAAGCGCCCATTGGGTCGGAAGTAAGTAGGAGCTGCCCCGCTGCTTC[G>C]GGCCGCCCGCCACACCAGCTGGTCTAGGGGCGGGGAAGGAGGGCGGCCCAGTGGCACAAG-3'
Protein context (NP_003551.2, residues 625-645): PSDQLVWRAA[Arg635Gly]SSGAAPTYFR